The following is an entry in ClinVar:

ClinVar aggregate classification (germline): Uncertain significance (1 of 4 stars; one submission).

Submission:

GeneDx
Classification: Uncertain significance. Last evaluated: 2022-02-20. Review status: criteria provided, single submitter. Criteria: GeneDx Variant Classification Process June 2021. Collection method: clinical testing. Allele origin: germline. Affected: yes.
Comment: Not observed at significant frequency in large population cohorts (gnomAD); In silico analysis supports that this missense variant has a deleterious effect on protein structure/function; Has not been previously published as pathogenic or benign to our knowledge

NM_170606.3(KMT2C):c.4843T>C (p.Trp1615Arg)

Gene: KMT2C (lysine methyltransferase 2C; minus strand). Cytogenetic location: 7q36.1.
Variant type: single nucleotide variant.
Coding change: c.4843T>C on transcript NM_170606.3 (MANE Select); coding-DNA position 4843, T replaced by C.
Protein change: p.Trp1615Arg; replaces tryptophan 1615 with arginine.
Molecular consequence: missense variant.
Genome position (GRCh38, 1-based): chr7:152,187,427, A>G on the plus strand (T>C on the coding strand, the complement: KMT2C is on the minus strand). VCF-style: chr7-152187427-A-G. GRCh37 (hg19) VCF-style: chr7-151884512-A-G.
Other names: short protein forms W1615R.
Identifiers: ClinVar variation 1702790 (VCV001702790.2), dbSNP rs2129124734, ClinGen allele CA370102745.